The following is an entry in ClinVar:

ClinVar aggregate classification (germline): Uncertain significance (1 of 4 stars; one submission).

Conditions:
Inborn genetic diseases. Identifiers: MedGen C0950123, MeSH D030342.

Submission:

Ambry Genetics
Classification: Uncertain significance for Inborn genetic diseases. Last evaluated: 2022-09-25. Review status: criteria provided, single submitter. Criteria: Ambry Variant Classification Scheme 2023. Collection method: clinical testing. Allele origin: germline.
Comment: The p.A659D variant (also known as c.1976C>A), located in coding exon 9 of the ATR gene, results from a C to A substitution at nucleotide position 1976. The alanine at codon 659 is replaced by aspartic acid, an amino acid with dissimilar properties. This amino acid position is conserved. In addition, this alteration is predicted to be deleterious by in silico analysis. Since supporting evidence is limited at this time, the clinical significance of this alteration remains unclear.

NM_001184.4(ATR):c.1976C>A (p.Ala659Asp)

Gene: ATR (ATR checkpoint kinase; minus strand). Cytogenetic location: 3q23.
Variant type: single nucleotide variant.
Coding change: c.1976C>A on transcript NM_001184.4 (MANE Select); coding-DNA position 1976, C replaced by A.
Protein change: p.Ala659Asp; replaces alanine 659 with aspartic acid.
Molecular consequence: missense variant.
Genome position (GRCh38, 1-based): chr3:142,556,485, G>T on the plus strand (C>A on the coding strand, the complement: ATR is on the minus strand). VCF-style: chr3-142556485-G-T. GRCh37 (hg19) VCF-style: chr3-142275327-G-T.
Other names: c.1784C>A, p.Ala595Asp (NM_001354579.2); short protein forms A595D, A659D.
Identifiers: ClinVar variation 1783711 (VCV001783711.2), dbSNP rs2108473086, ClinGen allele CA354819349.